The following is an entry in ClinVar:

NM_007289.4(MME):c.1267G>C (p.Val423Leu)

Gene: MME (membrane metalloendopeptidase; plus strand). Cytogenetic location: 3q25.2.
Variant type: single nucleotide variant.
Coding change: c.1267G>C on transcript NM_007289.4 (MANE Select); coding-DNA position 1267, G replaced by C.
Protein change: p.Val423Leu; replaces valine 423 with leucine.
Molecular consequence: missense variant.
Genome position (GRCh38, 1-based): chr3:155,143,521, G>C. VCF-style: chr3-155143521-G-C. GRCh37 (hg19) VCF-style: chr3-154861310-G-C.
Other names: c.1267G>C, p.Val423Leu (NM_000902.5, NM_001354642.2, NM_001354643.1 and 2 more transcripts); short protein forms V423L.
Identifiers: ClinVar variation 2072307 (VCV002072307.4), dbSNP rs2473079496, ClinGen allele CA355130421.

ClinVar aggregate classification (germline): Uncertain significance (1 of 4 stars; one submission).

Allele frequency attached by ClinVar (database versions not stated): gnomAD exomes 0.00001.
gnomAD v4.1: 8 of 1,612,826 alleles (0.0005%); highest among the groups gnomAD compares: Non-Finnish European, 0.00068%; no homozygotes.

Submission:

Labcorp Genetics (formerly Invitae), Labcorp
Classification: Uncertain significance. Last evaluated: 2022-02-21. Review status: criteria provided, single submitter. Criteria: Invitae Variant Classification Sherloc (09022015). Collection method: clinical testing. Allele origin: germline.
Comment: This sequence change replaces valine, which is neutral and non-polar, with leucine, which is neutral and non-polar, at codon 423 of the MME protein (p.Val423Leu). This variant is not present in population databases (gnomAD no frequency). In summary, the available evidence is currently insufficient to determine the role of this variant in disease. Therefore, it has been classified as a Variant of Uncertain Significance. Algorithms developed to predict the effect of missense changes on protein structure and function are either unavailable or do not agree on the potential impact of this missense change (SIFT: "Tolerated"; PolyPhen-2: "Possibly Damaging"; Align-GVGD: "Class C0"). This variant has not been reported in the literature in individuals affected with MME-related conditions.